The following is an entry in ClinVar:

NM_032620.4(GTPBP3):c.808+10C>T

Gene: GTPBP3 (GTP binding protein 3, mitochondrial; plus strand). Cytogenetic location: 19p13.11.
Variant type: single nucleotide variant.
Coding change: c.808+10C>T on transcript NM_032620.4 (MANE Select); 10 bases into the intron after coding-DNA position 808, C replaced by T.
Molecular consequence: intron variant.
Genome position (GRCh38, 1-based): chr19:17,339,276, C>T. VCF-style: chr19-17339276-C-T. GRCh37 (hg19) VCF-style: chr19-17450085-C-T.
Other names: c.874+10C>T (NM_001195422.1); c.904+10C>T (NM_133644.4); c.808+10C>T (NM_001128855.3).
Identifiers: ClinVar variation 2080427 (VCV002080427.1), dbSNP rs1568366913, ClinGen allele CA632134205.

ClinVar aggregate classification (germline): Uncertain significance (1 of 4 stars; one submission).

Allele frequency attached by ClinVar (database versions not stated): gnomAD 0.00001.
gnomAD v4.1: 4 of 1,589,020 alleles (0.00025%); highest among the groups gnomAD compares: South Asian, 0.0022%; no homozygotes.

Submission:

Labcorp Genetics (formerly Invitae), Labcorp
Classification: Uncertain significance. Last evaluated: 2022-08-21. Review status: criteria provided, single submitter. Criteria: Invitae Variant Classification Sherloc (09022015). Collection method: clinical testing. Allele origin: germline.
Comment: This sequence change falls in intron 5 of the GTPBP3 gene. It does not directly change the encoded amino acid sequence of the GTPBP3 protein. This variant is present in population databases (no rsID available, gnomAD 0.004%). This variant has not been reported in the literature in individuals affected with GTPBP3-related conditions. Algorithms developed to predict the effect of sequence changes on RNA splicing suggest that this variant may create or strengthen a splice site. In summary, the available evidence is currently insufficient to determine the role of this variant in disease. Therefore, it has been classified as a Variant of Uncertain Significance.